The following is an entry in ClinVar:

NM_001018115.3(FANCD2):c.1181dup (p.Thr395fs)

Genes: FANCD2 (FA complementation group D2; plus strand), LOC107303338 (3p25 FANCD2 Alu-mediated recombination region; plus strand). Cytogenetic location: 3p25.3.
Variant type: Duplication.
Coding change: c.1181dup on transcript NM_001018115.3 (MANE Select); coding-DNA position 1181, one base duplicated (A; older notation c.1181dupA).
Protein change: p.Thr395fs; shifts the reading frame from threonine 395.
Molecular consequence: frameshift variant.
Genome position (GRCh38, 1-based): chr3:10,046,626, A duplicated. VCF-style (leftmost placement, unchanged base first): chr3-10046625-C-CA. GRCh37 (hg19) VCF-style: chr3-10088309-C-CA.
Other names: c.1181dup (NM_033084.4); c.1181dup, p.Thr395fs (NM_001319984.2, NM_001374253.1, NM_001374254.1 and 1 more transcripts); short protein forms T395fs.
Identifiers: ClinVar variation 1692025 (VCV001692025.2), dbSNP rs2125000228, ClinGen allele CA2573136180.

ClinVar aggregate classification (germline): Likely pathogenic. Review status: criteria provided, multiple submitters, no conflicts (2 of 4 stars). 2 submissions from 2 submitters: Likely pathogenic (2). Last evaluated 2024-01-23.

Conditions:
Fanconi anemia (FA). Also called: Fanconi's anemia. Identifiers: Orphanet 84, MedGen C0015625, MeSH D005199, MONDO:0019391.
Fanconi anemia complementation group D2. Also called: FANCD2-Related Fanconi Anemia; FANCONI PANCYTOPENIA, TYPE 4; FANCONI ANEMIA, COMPLEMENTATION GROUP D. Identifiers: Orphanet 84, MedGen C3160738, MONDO:0009214, OMIM 227646.

Submissions (2):

Fulgent Genetics
Classification: Likely pathogenic for Fanconi anemia complementation group D2. Last evaluated: 2024-01-23. Review status: criteria provided, single submitter. Criteria: ACMG Guidelines, 2015. Collection method: clinical testing. Allele origin: germline.

Sema4
Classification: Likely pathogenic for Fanconi anemia. Last evaluated: 2021-12-08. Review status: criteria provided, single submitter. Criteria: Sema4 Curation Guidelines. Collection method: curation. Allele origin: germline.
Comment: The FANCD2 c.1181dupA (p.T395DfsX6) variant has not been reported in the literature to our knowledge. This variant causes a frameshift at amino acid 395 that results in premature termination 6 amino acids downstream. At this location, this is predicted to cause nonsense-mediated decay and result in an absent protein (loss of function). This variant is not reported in the Genome Aggregation Database (PMID: 32461654). This variant has not been reported in ClinVar. Based on the current evidence available, this variant is interpreted as likely pathogenic.